The following is an entry in ClinVar:

ClinVar aggregate classification (germline): Pathogenic/Likely pathogenic. Review status: criteria provided, multiple submitters, no conflicts (2 of 4 stars). 3 submissions from 3 submitters: Pathogenic (2); Likely pathogenic (1). Last evaluated 2023-11-03.

Conditions:
Hereditary cancer-predisposing syndrome. Also called: Neoplastic Syndromes, Hereditary; Tumor predisposition; Hereditary Cancer Syndrome; Hereditary neoplastic syndrome. Identifiers: Orphanet 140162, MedGen C0027672, MeSH D009386, MONDO:0015356.
Nijmegen breakage syndrome-like disorder (NBSLD). Also called: MICROCEPHALY AND SPONTANEOUS CHROMOSOME INSTABILITY WITHOUT IMMUNODEFICIENCY; NBS-LIKE DISORDER; RAD50 DEFICIENCY. Identifiers: Orphanet 240760, MedGen C2751318, MONDO:0013118, OMIM 613078.

Allele frequency attached by ClinVar (database versions not stated): ExAC 0.00001.

Submissions (3):

Baylor Genetics
Classification: Likely pathogenic for Nijmegen breakage syndrome-like disorder. Last evaluated: 2023-11-03. Review status: criteria provided, single submitter. Criteria: ACMG Guidelines, 2015. Collection method: clinical testing. Allele origin: unknown.

Labcorp Genetics (formerly Invitae), Labcorp
Classification: Pathogenic for Hereditary cancer-predisposing syndrome. Last evaluated: 2023-10-28. Review status: criteria provided, single submitter. Criteria: Invitae Variant Classification Sherloc (09022015). Collection method: clinical testing. Allele origin: germline.
Comment: This sequence change creates a premature translational stop signal (p.Arg593*) in the RAD50 gene. It is expected to result in an absent or disrupted protein product. Loss-of-function variants in RAD50 are known to be pathogenic (PMID: 19409520). This variant is present in population databases (rs762842543, gnomAD 0.009%). This variant has not been reported in the literature in individuals affected with RAD50-related conditions. ClinVar contains an entry for this variant (Variation ID: 1779896). For these reasons, this variant has been classified as Pathogenic.

Ambry Genetics
Classification: Pathogenic for Hereditary cancer-predisposing syndrome. Last evaluated: 2017-11-30. Review status: criteria provided, single submitter. Criteria: Ambry Variant Classification Scheme 2023. Collection method: clinical testing. Allele origin: germline.
Comment: The p.R593* pathogenic mutation (also known as c.1777A>T), located in coding exon 11 of the RAD50 gene, results from an A to T substitution at nucleotide position 1777. This changes the amino acid from an arginine to a stop codon within coding exon 11. This alteration is expected to result in loss of function by premature protein truncation or nonsense-mediated mRNA decay. As such, this alteration is interpreted as a disease-causing mutation.

Literature cited by the submitters: PubMed 19409520 (cited by Labcorp Genetics (formerly Invitae), Labcorp).

NM_005732.4(RAD50):c.1777A>T (p.Arg593Ter)

Gene: RAD50 (RAD50 double strand break repair protein; plus strand). Cytogenetic location: 5q31.1.
Variant type: single nucleotide variant.
Coding change: c.1777A>T on transcript NM_005732.4 (MANE Select); coding-DNA position 1777, A replaced by T.
Protein change: p.Arg593Ter; replaces arginine 593 with a stop codon.
Molecular consequence: nonsense.
Genome position (GRCh38, 1-based): chr5:132,592,018, A>T. VCF-style: chr5-132592018-A-T. GRCh37 (hg19) VCF-style: chr5-131927710-A-T.
Other names: short protein forms R593*.
Identifiers: ClinVar variation 1779896 (VCV001779896.6), dbSNP rs762842543, ClinGen allele CA3405244.